The following is an entry in ClinVar:

ClinVar aggregate classification (germline): Conflicting classifications of pathogenicity. Review status: criteria provided, conflicting classifications (1 of 4 stars). 2 submissions from 2 submitters: Uncertain significance (1); Likely benign (1). Last evaluated 2023-07-11.

Conditions:
Inborn genetic diseases. Identifiers: MedGen C0950123, MeSH D030342.
Dyskeratosis congenita. Identifiers: Orphanet 1775, MedGen C0265965, MONDO:0015780.

Submissions (2):

Ambry Genetics
Classification: Likely benign for Inborn genetic diseases. Last evaluated: 2023-07-11. Review status: criteria provided, single submitter. Criteria: Ambry Variant Classification Scheme 2023. Collection method: clinical testing. Allele origin: germline.

Labcorp Genetics (formerly Invitae), Labcorp
Classification: Uncertain significance for Dyskeratosis congenita. Last evaluated: 2019-11-27. Review status: criteria provided, single submitter. Criteria: Invitae Variant Classification Sherloc (09022015). Collection method: clinical testing. Allele origin: germline.
Comment: In summary, the available evidence is currently insufficient to determine the role of this variant in disease. Therefore, it has been classified as a Variant of Uncertain Significance. Algorithms developed to predict the effect of missense changes on protein structure and function output the following: SIFT: "Tolerated"; PolyPhen-2: "Benign"; Align-GVGD: "Class C0". The valine amino acid residue is found in multiple mammalian species, suggesting that this missense change does not adversely affect protein function. These predictions have not been confirmed by published functional studies and their clinical significance is uncertain. This variant has not been reported in the literature in individuals with CTC1-related conditions. This variant is not present in population databases (ExAC no frequency). This sequence change replaces methionine with valine at codon 677 of the CTC1 protein (p.Met677Val). The methionine residue is moderately conserved and there is a small physicochemical difference between methionine and valine.

NM_025099.6(CTC1):c.2029A>G (p.Met677Val)

Gene: CTC1 (CST telomere replication complex component 1; minus strand). Cytogenetic location: 17p13.1.
Variant type: single nucleotide variant.
Coding change: c.2029A>G on transcript NM_025099.6 (MANE Select); coding-DNA position 2029, A replaced by G.
Protein change: p.Met677Val; replaces methionine 677 with valine.
Molecular consequence: missense variant. On other transcripts: non-coding transcript variant (1).
Genome position (GRCh38, 1-based): chr17:8,232,392, T>C on the plus strand (A>G on the coding strand, the complement: CTC1 is on the minus strand). VCF-style: chr17-8232392-T-C. GRCh37 (hg19) VCF-style: chr17-8135710-T-C.
Other names: short protein forms M677V.
Identifiers: ClinVar variation 862837 (VCV000862837.11), dbSNP rs1987321255, ClinGen allele CA397979586.